The following is an entry in ClinVar:

ClinVar aggregate classification (germline): Uncertain significance (1 of 4 stars; one submission).

Conditions:
POLD1-related polyposis and colorectal cancer syndrome (CRCS10). Also called: Colorectal cancer 10; COLORECTAL CANCER, SUSCEPTIBILITY TO, ON CHROMOSOME 19q; Colorectal cancer, susceptibility to, 10. Identifiers: Orphanet 220460, MedGen C2675481, MONDO:0012953, OMIM 612591.

Submission:

Labcorp Genetics (formerly Invitae), Labcorp
Classification: Uncertain significance for POLD1-related polyposis and colorectal cancer syndrome. Last evaluated: 2024-11-24. Review status: criteria provided, single submitter. Criteria: Invitae Variant Classification Sherloc (09022015). Collection method: clinical testing. Allele origin: germline.
Comment: This sequence change replaces aspartic acid, which is acidic and polar, with glutamic acid, which is acidic and polar, at codon 163 of the POLD1 protein (p.Asp163Glu). This variant is not present in population databases (gnomAD no frequency). This variant has not been reported in the literature in individuals affected with POLD1-related conditions. Invitae Evidence Modeling of protein sequence and biophysical properties (such as structural, functional, and spatial information, amino acid conservation, physicochemical variation, residue mobility, and thermodynamic stability) indicates that this missense variant is not expected to disrupt POLD1 protein function with a negative predictive value of 80%. In summary, the available evidence is currently insufficient to determine the role of this variant in disease. Therefore, it has been classified as a Variant of Uncertain Significance.

NM_002691.4(POLD1):c.489C>A (p.Asp163Glu)

Gene: POLD1 (DNA polymerase delta 1, catalytic subunit; plus strand). Cytogenetic location: 19q13.33.
Variant type: single nucleotide variant.
Coding change: c.489C>A on transcript NM_002691.4 (MANE Select); coding-DNA position 489, C replaced by A.
Protein change: p.Asp163Glu; replaces aspartic acid 163 with glutamic acid.
Molecular consequence: missense variant. On other transcripts: non-coding transcript variant (1).
Genome position (GRCh38, 1-based): chr19:50,402,024, C>A. VCF-style: chr19-50402024-C-A. GRCh37 (hg19) VCF-style: chr19-50905281-C-A.
Other names: c.489C>A, p.Asp163Glu (NM_001256849.1, NM_001308632.1); short protein forms D163E.
Identifiers: ClinVar variation 3665047 (VCV003665047.2).